The following is an entry in ClinVar:

ClinVar aggregate classification (germline): Pathogenic (1 of 4 stars; one submission).

Conditions:
Joubert syndrome. Also called: CEREBELLOPARENCHYMAL DISORDER IV; JOUBERT-BOLTSHAUSER SYNDROME; Familial aplasia of the vermis. Identifiers: Orphanet 475, MedGen C5979921, MONDO:0018772.
Meckel-Gruber syndrome. Also called: DYSENCEPHALIA SPLANCHNOCYSTICA; GRUBER SYNDROME; Dysencephalia splachnocystica. Identifiers: Orphanet 564, MedGen C0265215, MONDO:0018921.

Submission:

Labcorp Genetics (formerly Invitae), Labcorp
Classification: Pathogenic for Joubert syndrome; Meckel-Gruber syndrome. Last evaluated: 2022-04-14. Review status: criteria provided, single submitter. Criteria: Invitae Variant Classification Sherloc (09022015). Collection method: clinical testing. Allele origin: germline.
Comment: For these reasons, this variant has been classified as Pathogenic. This variant has not been reported in the literature in individuals affected with RPGRIP1L-related conditions. This variant is not present in population databases (gnomAD no frequency). This sequence change creates a premature translational stop signal (p.Lys130Metfs*14) in the RPGRIP1L gene. It is expected to result in an absent or disrupted protein product. Loss-of-function variants in RPGRIP1L are known to be pathogenic (PMID: 17558409).

Literature cited by the submitters: PubMed 17558409.

NM_015272.5(RPGRIP1L):c.360_388dup (p.Lys130fs)

Gene: RPGRIP1L (RPGRIP1 like; minus strand). Cytogenetic location: 16q12.2.
Variant type: Duplication.
Coding change: c.360_388dup on transcript NM_015272.5 (MANE Select); coding-DNA positions 360 to 388, 29 bases duplicated (TGAGCTTGAAAAACAAAATGAAACCCTCA).
Protein change: p.Lys130fs; shifts the reading frame from lysine 130.
Molecular consequence: frameshift variant.
Genome position (GRCh38, 1-based): chr16:53,692,207-53,692,235, TGAGGGTTTCATTTTGTTTTTCAAGCTCA duplicated on the plus strand (TGAGCTTGAAAAACAAAATGAAACCCTCA on the coding strand, the reverse complement: RPGRIP1L is on the minus strand); duplicating any 29 consecutive bases within chr16:53,692,207-53,692,238 gives the same sequence; the c. name uses the placement nearest the transcript's 3' end. VCF-style (leftmost placement, unchanged base first): chr16-53692206-T-TTGAGGGTTTCATTTTGTTTTTCAAGCTCA. GRCh37 (hg19) VCF-style: chr16-53726118-T-TTGAGGGTTTCATTTTGTTTTTCAAGCTCA.
Other names: c.360_388dup, p.Lys130fs (NM_001127897.4, NM_001308334.3, NM_001330538.2); short protein forms K130fs.
Identifiers: ClinVar variation 1416989 (VCV001416989.6), dbSNP rs2151352672, ClinGen allele CA2573152339.